The following is an entry in ClinVar:

ClinVar aggregate classification (germline): Uncertain significance (1 of 4 stars; one submission).

gnomAD v4.1: 23 of 1,614,092 alleles (0.0014%); highest among the groups gnomAD compares: South Asian, 0.025%; no homozygotes.

Submission:

GeneDx
Classification: Uncertain significance. Last evaluated: 2025-03-12. Review status: criteria provided, single submitter. Criteria: GeneDx Variant Classification Process June 2021. Collection method: clinical testing. Allele origin: germline. Affected: yes.
Comment: In silico analysis supports that this missense variant has a deleterious effect on protein structure/function; Has not been previously published as pathogenic or benign to our knowledge

NM_000540.3(RYR1):c.1823G>C (p.Cys608Ser)

Gene: RYR1 (ryanodine receptor 1; plus strand). Cytogenetic location: 19q13.2.
Variant type: single nucleotide variant.
Coding change: c.1823G>C on transcript NM_000540.3 (MANE Select); coding-DNA position 1823, G replaced by C.
Protein change: p.Cys608Ser; replaces cysteine 608 with serine.
Molecular consequence: missense variant.
Genome position (GRCh38, 1-based): chr19:38,457,528, G>C. VCF-style: chr19-38457528-G-C. GRCh37 (hg19) VCF-style: chr19-38948168-G-C.
Other names: c.1823G>C, p.Cys608Ser (NM_001042723.2); short protein forms C608S.
Identifiers: ClinVar variation 4082819 (VCV004082819.1).